The following is an entry in ClinVar:

NM_014991.6(WDFY3):c.1331A>C (p.Tyr444Ser)

Gene: WDFY3 (WD repeat and FYVE domain containing 3; minus strand). Cytogenetic location: 4q21.23.
Variant type: single nucleotide variant.
Coding change: c.1331A>C on transcript NM_014991.6 (MANE Select); coding-DNA position 1331, A replaced by C.
Protein change: p.Tyr444Ser; replaces tyrosine 444 with serine.
Molecular consequence: missense variant.
Genome position (GRCh38, 1-based): chr4:84,821,344, T>G on the plus strand (A>C on the coding strand, the complement: WDFY3 is on the minus strand). VCF-style: chr4-84821344-T-G. GRCh37 (hg19) VCF-style: chr4-85742497-T-G.
Other names: short protein forms Y444S.
Identifiers: ClinVar variation 2136286 (VCV002136286.1), dbSNP rs2534650624, ClinGen allele CA357572270.

ClinVar aggregate classification (germline): Uncertain significance (1 of 4 stars; one submission).

Submission:

GeneDx
Classification: Uncertain significance. Last evaluated: 2023-01-20. Review status: criteria provided, single submitter. Criteria: GeneDx Variant Classification Process June 2021. Collection method: clinical testing. Allele origin: germline. Affected: yes.
Comment: Not observed at significant frequency in large population cohorts (gnomAD); In silico analysis supports that this missense variant has a deleterious effect on protein structure/function; Has not been previously published as pathogenic or benign to our knowledge